The following is an entry in ClinVar:

NM_020975.6(RET):c.432C>T (p.Arg144=)

Gene: RET (ret proto-oncogene; plus strand). Cytogenetic location: 10q11.21.
Variant type: single nucleotide variant.
Coding change: c.432C>T on transcript NM_020975.6 (MANE Select); coding-DNA position 432, C replaced by T.
Protein change: p.Arg144=; no amino-acid change (arginine 144 retained).
Molecular consequence: synonymous variant. On other transcripts: intron variant (22).
Genome position (GRCh38, 1-based): chr10:43,102,436, C>T. VCF-style: chr10-43102436-C-T. GRCh37 (hg19) VCF-style: chr10-43597884-C-T.
Other names: c.432C>T, p.Arg144= (NM_000323.2, NM_001406743.1, NM_001406744.1 and 16 more transcripts); c.338-35C>T (NM_001406764.1, NM_001406762.1, NM_001406761.1 and 4 more transcripts); c.337+1714C>T (NM_001406770.1, NM_001406766.1, NM_001406767.1 and 8 more transcripts); c.74-6595C>T (NM_001406784.1); c.74-9663C>T (NM_001406794.1, NM_001406792.1, NM_001406793.1).
Identifiers: ClinVar variation 299888 (VCV000299888.29), dbSNP rs756999107, ClinGen allele CA043682.

ClinVar aggregate classification (germline): Conflicting classifications of pathogenicity. Review status: criteria provided, conflicting classifications (1 of 4 stars). 10 submissions from 7 submitters: Uncertain significance (4); Likely benign (6). Last evaluated 2025-11-13.

Conditions:
Pheochromocytoma. Also called: MAX-Related Hereditary Paraganglioma-Pheochromocytoma Syndrome. Identifiers: Orphanet 29072, MedGen C0031511, MONDO:0008233, OMIM 171300, HP:0002666.
Multiple endocrine neoplasia. Identifiers: Orphanet 276161, MedGen C0027662, MONDO:0017169.
Multiple endocrine neoplasia, type 2 (MEN2). Identifiers: Orphanet 653, MedGen C4048306, MONDO:0019003. Disease mechanism: gain of function.
Hirschsprung disease, susceptibility to, 1 (HSCR1). Also called: RET-Related Hirschsprung Disease. Identifiers: Orphanet 388, MedGen C3888239, MONDO:0007723, OMIM 142623.
Renal hypodysplasia/aplasia 1 (RHDA1). Also called: RENAL APLASIA; HEREDITARY RENAL APLASIA. Identifiers: Orphanet 411709, MedGen C1619700, MONDO:0024519, OMIM 191830.
Hereditary cancer-predisposing syndrome. Also called: Hereditary neoplastic syndrome; Tumor predisposition; Neoplastic Syndromes, Hereditary; Hereditary Cancer Syndrome. Identifiers: Orphanet 140162, MedGen C0027672, MeSH D009386, MONDO:0015356.

Allele frequency attached by ClinVar (database versions not stated): gnomAD 0.00001; gnomAD exomes 0.00001; TOPMed 0.00001; ExAC 0.00002.
gnomAD v4.1: 18 of 1,614,140 alleles (0.0011%); highest among the groups gnomAD compares: African/African-American, 0.0013%; no homozygotes.

Submissions (10):

Labcorp Genetics (formerly Invitae), Labcorp
Classification: Likely benign for Multiple endocrine neoplasia, type 2. Last evaluated: 2025-11-13. Review status: criteria provided, single submitter. Criteria: Invitae Variant Classification Sherloc (09022015). Collection method: clinical testing. Allele origin: germline.

CeGaT Center for Human Genetics Tuebingen
Classification: Likely benign. Last evaluated: 2025-03-01. Review status: criteria provided, single submitter. Criteria: CeGaT Center For Human Genetics Tuebingen Variant Classification Criteria Version 2. Collection method: clinical testing. Allele origin: germline. Affected: yes. Observed: 1 variant allele.
Comment: RET: BP4, BP7

Laboratory of Genetics, Children's Clinical University Hospital Latvia
Classification: Likely benign. Last evaluated: 2025-02-16. Review status: criteria provided, single submitter. Criteria: ACMG Guidelines, 2015. Collection method: clinical testing. Allele origin: germline. Affected: yes.

Blueprint Genetics
Classification: Likely benign. Last evaluated: 2023-12-27. Review status: criteria provided, single submitter. Criteria: ACMG Guidelines, 2015. Collection method: clinical testing. Allele origin: germline.

Color Diagnostics, LLC DBA Color Health
Classification: Likely benign for Multiple endocrine neoplasia, type 2. Last evaluated: 2022-11-06. Review status: criteria provided, single submitter. Criteria: ACMG Guidelines, 2015. Collection method: clinical testing. Allele origin: germline.

Illumina Laboratory Services, Illumina
Classification: Uncertain significance for Hirschsprung disease, susceptibility to, 1. Last evaluated: 2018-01-12. Review status: criteria provided, single submitter. Criteria: ICSL Variant Classification Criteria 13 December 2019. Collection method: clinical testing. Allele origin: germline.

Illumina Laboratory Services, Illumina
Classification: Uncertain significance for Pheochromocytoma. Last evaluated: 2018-01-12. Review status: criteria provided, single submitter. Criteria: ICSL Variant Classification Criteria 13 December 2019. Collection method: clinical testing. Allele origin: germline.

Illumina Laboratory Services, Illumina
Classification: Uncertain significance for Renal hypodysplasia/aplasia 1. Last evaluated: 2018-01-12. Review status: criteria provided, single submitter. Criteria: ICSL Variant Classification Criteria 13 December 2019. Collection method: clinical testing. Allele origin: germline.

Illumina Laboratory Services, Illumina
Classification: Uncertain significance for Multiple endocrine neoplasia. Last evaluated: 2018-01-12. Review status: criteria provided, single submitter. Criteria: ICSL Variant Classification Criteria 13 December 2019. Collection method: clinical testing. Allele origin: germline.

Ambry Genetics
Classification: Likely benign for Hereditary cancer-predisposing syndrome. Last evaluated: 2016-01-28. Review status: criteria provided, single submitter. Criteria: Ambry Variant Classification Scheme 2023. Collection method: clinical testing. Allele origin: germline.